The following is an entry in ClinVar:

ClinVar aggregate classification (germline): Uncertain significance (1 of 4 stars; one submission).

Conditions:
Pierpont syndrome (PRPTS). Identifiers: Orphanet 487825, MedGen C1865644, MONDO:0011213, OMIM 602342.

gnomAD v4.1: 2 of 1,555,190 alleles (0.00013%); highest among the groups gnomAD compares: African/African-American, 0.0014%; no homozygotes.

Submission:

Labcorp Genetics (formerly Invitae), Labcorp
Classification: Uncertain significance for Pierpont syndrome. Last evaluated: 2025-12-15. Review status: criteria provided, single submitter. Criteria: Invitae Variant Classification Sherloc (09022015). Collection method: clinical testing. Allele origin: germline.
Comment: This sequence change replaces valine, which is neutral and non-polar, with leucine, which is neutral and non-polar, at codon 424 of the TBL1XR1 protein (p.Val424Leu). This variant is present in population databases (rs753008616, gnomAD 0.004%). This variant has not been reported in the literature in individuals affected with TBL1XR1-related conditions. Invitae Evidence Modeling of protein sequence and biophysical properties (such as structural, functional, and spatial information, amino acid conservation, physicochemical variation, residue mobility, and thermodynamic stability) indicates that this missense variant is expected to disrupt TBL1XR1 protein function with a positive predictive value of 95%. In summary, the available evidence is currently insufficient to determine the role of this variant in disease. Therefore, it has been classified as a Variant of Uncertain Significance.

NM_024665.7(TBL1XR1):c.1270G>C (p.Val424Leu)

Gene: TBL1XR1 (TBL1X/Y related 1; minus strand). Cytogenetic location: 3q26.32.
Variant type: single nucleotide variant.
Coding change: c.1270G>C on transcript NM_024665.7 (MANE Select); coding-DNA position 1270, G replaced by C.
Protein change: p.Val424Leu; replaces valine 424 with leucine.
Molecular consequence: missense variant.
Genome position (GRCh38, 1-based): chr3:177,033,117, C>G on the plus strand (G>C on the coding strand, the complement: TBL1XR1 is on the minus strand). VCF-style: chr3-177033117-C-G. GRCh37 (hg19) VCF-style: chr3-176750905-C-G.
Other names: c.1270G>C, p.Val424Leu (NM_001321193.3, NM_001321194.3, NM_001374327.1 and 2 more transcripts); c.1009G>C, p.Val337Leu (NM_001321195.3, NM_001374330.1); short protein forms V424L, V337L.
Identifiers: ClinVar variation 4771736 (VCV004771736.1).